The following is an entry in ClinVar:

NM_001195553.2(DCX):c.772C>T (p.Arg258Cys)

Gene: DCX (doublecortin; minus strand). Cytogenetic location: Xq23.
Variant type: single nucleotide variant.
Coding change: c.772C>T on transcript NM_001195553.2 (MANE Select); coding-DNA position 772, C replaced by T.
Protein change: p.Arg258Cys; replaces arginine 258 with cysteine.
Molecular consequence: missense variant.
Genome position (GRCh38, 1-based): chrX:111,333,087, G>A on the plus strand (C>T on the coding strand, the complement: DCX is on the minus strand). VCF-style: chrX-111333087-G-A. GRCh37 (hg19) VCF-style: chrX-110576315-G-A.
Other names: c.1015C>T, p.Arg339Cys (NM_000555.3); c.772C>T, p.Arg258Cys (NM_001369370.1, NM_001369371.1, NM_001369372.1 and 5 more transcripts); short protein forms R258C, R339C.
Identifiers: ClinVar variation 166990 (VCV000166990.9), dbSNP rs727503897, ClinGen allele CA233890.
Genomic context (GRCh38, chrX:111,333,087, plus strand): 5'-ATAAAACCCAGTGGTTATGCTTACCATTTTCATCCAGAGAAAAATCATCCTGAGCATAGC[G>A]AAATTTTTCAGGACCACAGGCAATAAACACATCATCATCACCAAAGAAATCATGGAGACA-3'
Protein context (NP_001182482.1, residues 248-268): VFIACGPEKF[Arg258Cys]YAQDDFSLDE

ClinVar aggregate classification (germline): Conflicting classifications of pathogenicity. Review status: criteria provided, conflicting classifications (1 of 4 stars). 2 submissions from 2 submitters: Likely pathogenic (1); Uncertain significance (1). Last evaluated 2024-03-24.

Allele frequency attached by ClinVar (database versions not stated): ExAC below 0.00001.

Submissions (2):

GeneDx
Classification: Likely pathogenic. Last evaluated: 2024-03-24. Review status: criteria provided, single submitter. Criteria: GeneDx Variant Classification Process June 2021. Collection method: clinical testing. Allele origin: germline. Affected: yes.
Comment: Not observed at significant frequency in large population cohorts (gnomAD); In silico analysis supports that this missense variant has a deleterious effect on protein structure/function; Has not been previously published as pathogenic or benign to our knowledge; This variant is associated with the following publications: (PMID: 23365099)

Eurofins Ntd Llc (ga)
Classification: Uncertain significance. Last evaluated: 2014-01-07. Review status: criteria provided, single submitter. Criteria: EGL Classification Definitions 2015. Collection method: clinical testing. Allele origin: germline. Observed: 1 variant allele, 1 hemizygote.